The following is an entry in ClinVar:

NM_001129729.3(PLEKHG4):c.601C>T (p.Arg201Trp)

Gene: PLEKHG4 (pleckstrin homology and RhoGEF domain containing G4; plus strand). Cytogenetic location: 16q22.1.
Variant type: single nucleotide variant.
Coding change: c.601C>T on transcript NM_001129729.3 (MANE Select); coding-DNA position 601, C replaced by T.
Protein change: p.Arg201Trp; replaces arginine 201 with tryptophan.
Molecular consequence: missense variant.
Genome position (GRCh38, 1-based): chr16:67,280,887, C>T. VCF-style: chr16-67280887-C-T. GRCh37 (hg19) VCF-style: chr16-67314790-C-T.
Other names: c.601C>T, p.Arg201Trp (NM_001129727.3, NM_001129728.2); c.358C>T, p.Arg120Trp (NM_001129731.3); short protein forms R120W, R201W.
Identifiers: ClinVar variation 3341515 (VCV003341515.16).

ClinVar aggregate classification (germline): Benign (1 of 4 stars; one submission).

gnomAD v4.1: 5,015 of 1,612,916 alleles (0.31%); highest among the groups gnomAD compares: Non-Finnish European, 0.38%; 17 homozygotes.

Submission:

CeGaT Center for Human Genetics Tuebingen
Classification: Benign. Last evaluated: 2024-08-01. Review status: criteria provided, single submitter. Criteria: CeGaT Center For Human Genetics Tuebingen Variant Classification Criteria Version 2. Collection method: clinical testing. Allele origin: germline. Affected: yes. Observed: 1 variant allele.
Comment: PLEKHG4: BP4, BS1, BS2